The following is an entry in ClinVar:

NM_002863.5(PYGL):c.30G>A (p.Lys10=)

Gene: PYGL (glycogen phosphorylase L; minus strand). Cytogenetic location: 14q22.1.
Variant type: single nucleotide variant.
Coding change: c.30G>A on transcript NM_002863.5 (MANE Select); coding-DNA position 30, G replaced by A.
Protein change: p.Lys10=; no amino-acid change (lysine 10 retained).
Molecular consequence: synonymous variant.
Genome position (GRCh38, 1-based): chr14:50,944,374, C>T on the plus strand (G>A on the coding strand, the complement: PYGL is on the minus strand). VCF-style: chr14-50944374-C-T. GRCh37 (hg19) VCF-style: chr14-51411092-C-T.
Other names: c.30G>A, p.Lys10= (NM_001163940.2).
Identifiers: ClinVar variation 746995 (VCV000746995.9), dbSNP rs140912135, ClinGen allele CA7183926.

ClinVar aggregate classification (germline): Likely benign. Review status: criteria provided, multiple submitters, no conflicts (2 of 4 stars). 4 submissions from 4 submitters: Likely benign (3). 1 of the submissions does not count toward it. Last evaluated 2025-06-23.

Conditions:
Glycogen storage disease, type VI (GSD6). Also called: Glycogen storage disease type 6, due to phosphorylation; GSD VI; Glycogen storage disease type 6; Hepatic glycogen phosphorylase deficiency; HERS DISEASE; PHOSPHORYLASE DEFICIENCY GLYCOGEN-STORAGE DISEASE OF LIVER. Identifiers: Orphanet 369, MedGen C0017925, MONDO:0009294, OMIM 232700.
PYGL-related disorder. Also called: PYGL-related condition.

Allele frequency attached by ClinVar (database versions not stated): ExAC 0.00014; gnomAD exomes 0.00014; 1000 Genomes Project 0.00040; gnomAD 0.00044 and 0.00046; 1000 Genomes Project 30x 0.00047; TOPMed 0.00054; ESP Exome Variant Server 0.00062.

Submissions (4):

Labcorp Genetics (formerly Invitae), Labcorp
Classification: Likely benign for Glycogen storage disease, type VI. Last evaluated: 2025-06-23. Review status: criteria provided, single submitter. Criteria: Invitae Variant Classification Sherloc (09022015). Collection method: clinical testing. Allele origin: germline.

Blueprint Genetics
Classification: Likely benign. Last evaluated: 2024-11-27. Review status: criteria provided, single submitter. Criteria: ACMG Guidelines, 2015. Collection method: clinical testing. Allele origin: germline.

ARUP Laboratories, Molecular Genetics and Genomics, ARUP Laboratories
Classification: Likely benign for Glycogen storage disease, type VI. Last evaluated: 2023-08-08. Review status: criteria provided, single submitter. Criteria: ARUP Molecular Germline Variant Investigation Process 2024. Collection method: clinical testing. Allele origin: germline.

PreventionGenetics, part of Exact Sciences
Classification: Likely benign for PYGL-related condition. Last evaluated: 2023-08-09. Review status: no assertion criteria provided. Collection method: clinical testing. Allele origin: germline. Not counted in ClinVar's aggregate classification.
Comment: This variant is classified as likely benign based on ACMG/AMP sequence variant interpretation guidelines (Richards et al. 2015 PMID: 25741868, with internal and published modifications).